The following is an entry in ClinVar:

NM_001692.4(ATP6V1B1):c.664G>A (p.Ala222Thr)

Gene: ATP6V1B1 (ATPase H+ transporting V1 subunit B1; plus strand). Cytogenetic location: 2p13.3.
Variant type: single nucleotide variant.
Coding change: c.664G>A on transcript NM_001692.4 (MANE Select); coding-DNA position 664, G replaced by A.
Protein change: p.Ala222Thr; replaces alanine 222 with threonine.
Molecular consequence: missense variant.
Genome position (GRCh38, 1-based): chr2:70,960,999, G>A. VCF-style: chr2-70960999-G-A. GRCh37 (hg19) VCF-style: chr2-71188129-G-A.
Other names: short protein forms A222T.
Identifiers: ClinVar variation 228451 (VCV000228451.11), dbSNP rs781981910, ClinGen allele CA1701118.
Genomic context (GRCh38, chr2:70,960,999, plus strand): 5'-CGCCAGGCGGGGCTGGTGAAGAAGTCCAAGGCTGTGCTGGATTACCATGACGACAACTTC[G>A]CCATCGTCTTTGCAGCCATGGGGGTGAGGAGACTTAGTAGACTGGCAAGTTCTGGAGGCT-3'
Protein context (NP_001683.2, residues 212-232): AVLDYHDDNF[Ala222Thr]IVFAAMGVNM

ClinVar aggregate classification (germline): Uncertain significance. Review status: criteria provided, multiple submitters, no conflicts (2 of 4 stars). 4 submissions from 4 submitters: Uncertain significance (3). 1 of the submissions does not count toward it. Last evaluated 2022-05-09.

Conditions:
Renal tubular acidosis with progressive nerve deafness. Also called: Distal Renal Tubular Acidosis with Progressive Sensorineural Deafness; RENAL TUBULAR ACIDOSIS, AUTOSOMAL RECESSIVE, WITH PROGRESSIVE NERVE DEAFNESS; RTA WITH PROGRESSIVE NERVE DEAFNESS; renal tubular acidosis, distal, 2, with progressive sensorineural hearing loss. Identifiers: MedGen C0403554, MONDO:0009968, OMIM 267300.

Allele frequency attached by ClinVar (database versions not stated): ExAC 0.00004; TOPMed 0.00008; gnomAD 0.00009; gnomAD exomes 0.00003.
gnomAD v4.1: 50 of 1,596,706 alleles (0.0031%); highest among the groups gnomAD compares: Admixed American, 0.031%; no homozygotes.

Submissions (4):

Fulgent Genetics
Classification: Uncertain significance for Renal tubular acidosis with progressive nerve deafness. Last evaluated: 2022-05-09. Review status: criteria provided, single submitter. Criteria: ACMG Guidelines, 2015. Collection method: clinical testing. Allele origin: unknown.

Illumina Laboratory Services, Illumina
Classification: Uncertain significance for Renal tubular acidosis with progressive nerve deafness. Last evaluated: 2018-01-13. Review status: criteria provided, single submitter. Criteria: ICSL Variant Classification Criteria 13 December 2019. Collection method: clinical testing. Allele origin: germline.

Laboratory for Molecular Medicine, Mass General Brigham Personalized Medicine
Classification: Uncertain significance. Last evaluated: 2015-05-05. Review status: criteria provided, single submitter. Criteria: LMM Criteria. Collection method: clinical testing. Allele origin: germline. Observed: 1 variant allele.
Comment: The p.Ala222Thr variant in ATP6V1B1 has not been previously reported in individu als with hearing loss or in large population studies. Computational prediction t ools and conservation analysis suggest that this variant may impact the protein, though this information is not predictive enough to determine pathogenicity. In summary, the clinical significance of the p.Ala222Thr variant is uncertain.

Natera, Inc.
Classification: Uncertain significance for Renal tubular acidosis with progressive nerve deafness. Last evaluated: 2019-10-28. Review status: no assertion criteria provided. Collection method: clinical testing. Allele origin: germline. Not counted in ClinVar's aggregate classification.